The following is an entry in ClinVar:

NM_005529.7(HSPG2):c.9274G>A (p.Val3092Met)

Gene: HSPG2 (heparan sulfate proteoglycan 2; minus strand). Cytogenetic location: 1p36.12.
Variant type: single nucleotide variant.
Coding change: c.9274G>A on transcript NM_005529.7 (MANE Select); coding-DNA position 9274, G replaced by A.
Protein change: p.Val3092Met; replaces valine 3092 with methionine.
Molecular consequence: missense variant.
Genome position (GRCh38, 1-based): chr1:21,841,593, C>T on the plus strand (G>A on the coding strand, the complement: HSPG2 is on the minus strand). VCF-style: chr1-21841593-C-T. GRCh37 (hg19) VCF-style: chr1-22168086-C-T.
Other names: c.9277G>A, p.Val3093Met (NM_001291860.2); c.9274G>A (NM_005529.5); short protein forms V3092M, V3093M.
Identifiers: ClinVar variation 198639 (VCV000198639.12), dbSNP rs369024085, ClinGen allele CA247411.

ClinVar aggregate classification (germline): Uncertain significance. Review status: criteria provided, multiple submitters, no conflicts (2 of 4 stars). 4 submissions from 4 submitters: Uncertain significance (4). Last evaluated 2025-05-30.

Conditions:
Inborn genetic diseases. Identifiers: MedGen C0950123, MeSH D030342.

Allele frequency attached by ClinVar (database versions not stated): gnomAD 0.00001 and 0.00003; TOPMed 0.00001; ExAC 0.00003; gnomAD exomes 0.00004; ESP Exome Variant Server 0.00008.
gnomAD v4.1: 54 of 1,614,066 alleles (0.0033%); highest among the groups gnomAD compares: South Asian, 0.0099%; no homozygotes.

Submissions (4):

Ambry Genetics
Classification: Uncertain significance for Inborn genetic diseases. Last evaluated: 2025-05-30. Review status: criteria provided, single submitter. Criteria: Ambry Variant Classification Scheme 2023. Collection method: clinical testing. Allele origin: germline.

Labcorp Genetics (formerly Invitae), Labcorp
Classification: Uncertain significance. Last evaluated: 2024-12-16. Review status: criteria provided, single submitter. Criteria: Invitae Variant Classification Sherloc (09022015). Collection method: clinical testing. Allele origin: germline.
Comment: This sequence change replaces valine, which is neutral and non-polar, with methionine, which is neutral and non-polar, at codon 3092 of the HSPG2 protein (p.Val3092Met). This variant is present in population databases (rs369024085, gnomAD 0.01%). This variant has not been reported in the literature in individuals affected with HSPG2-related conditions. ClinVar contains an entry for this variant (Variation ID: 198639). An algorithm developed to predict the effect of missense changes on protein structure and function (PolyPhen-2) suggests that this variant is likely to be tolerated. In summary, the available evidence is currently insufficient to determine the role of this variant in disease. Therefore, it has been classified as a Variant of Uncertain Significance.

Athena Diagnostics
Classification: Uncertain significance. Last evaluated: 2022-01-14. Review status: criteria provided, single submitter. Criteria: Athena Diagnostics Criteria. Collection method: clinical testing. Allele origin: unknown.

Eurofins Ntd Llc (ga)
Classification: Uncertain significance. Last evaluated: 2015-01-06. Review status: criteria provided, single submitter. Criteria: EGL Classification Definitions 2015. Collection method: clinical testing. Allele origin: germline. Observed: 1 variant allele, 1 heterozygote.